The following is an entry in ClinVar:

ClinVar aggregate classification (germline): Benign/Likely benign. Review status: criteria provided, multiple submitters, no conflicts (2 of 4 stars). 5 submissions from 5 submitters: Benign (1); Likely benign (4). Last evaluated 2026-09-01.

Conditions:
Congenital disorder of deglycosylation (CDDG). Identifiers: MedGen C3808991, MONDO:0031376.

Allele frequency attached by ClinVar (database versions not stated): gnomAD exomes 0.00149 and 0.00249; 1000 Genomes Project 30x 0.00156; ExAC 0.00160; ESP Exome Variant Server 0.00185; 1000 Genomes Project 0.00100; gnomAD 0.00135 and 0.00138; TOPMed 0.00138.
gnomAD v4.1: 3,790 of 1,613,902 alleles (0.23%); highest among the groups gnomAD compares: Non-Finnish European, 0.3%; 7 homozygotes.

Submissions (5):

CeGaT Center for Human Genetics Tuebingen
Classification: Likely benign. Last evaluated: 2026-09-01. Review status: criteria provided, single submitter. Criteria: CeGaT Center For Human Genetics Tuebingen Variant Classification Criteria Version 2. Collection method: clinical testing. Allele origin: germline. Affected: yes. Observed: 6 variant alleles.
Comment: NGLY1: BP4, BP7

Labcorp Genetics (formerly Invitae), Labcorp
Classification: Benign for Congenital disorder of deglycosylation. Last evaluated: 2026-02-01. Review status: criteria provided, single submitter. Criteria: Invitae Variant Classification Sherloc (09022015). Collection method: clinical testing. Allele origin: germline.

Blueprint Genetics
Classification: Likely benign. Last evaluated: 2024-11-25. Review status: criteria provided, single submitter. Criteria: ACMG Guidelines, 2015. Collection method: clinical testing. Allele origin: germline.

GeneDx
Classification: Likely benign. Last evaluated: 2020-12-15. Review status: criteria provided, single submitter. Criteria: GeneDx Variant Classification Process June 2021. Collection method: clinical testing. Allele origin: germline. Affected: yes.

Breakthrough Genomics
Classification: Likely benign. Review status: criteria provided, single submitter. Criteria: ACMG Guidelines, 2015. Collection method: not provided. Allele origin: germline. Inheritance: Autosomal recessive inheritance. Affected: yes.

NM_018297.4(NGLY1):c.1722A>G (p.Gln574=)

Gene: NGLY1 (N-glycanase 1; minus strand). Cytogenetic location: 3p24.2.
Variant type: single nucleotide variant.
Coding change: c.1722A>G on transcript NM_018297.4 (MANE Select); coding-DNA position 1722, A replaced by G.
Protein change: p.Gln574=; no amino-acid change (glutamine 574 retained).
Molecular consequence: synonymous variant. On other transcripts: intron variant (1).
Genome position (GRCh38, 1-based): chr3:25,720,081, T>C on the plus strand (A>G on the coding strand, the complement: NGLY1 is on the minus strand). VCF-style: chr3-25720081-T-C. GRCh37 (hg19) VCF-style: chr3-25761572-T-C.
Other names: c.1668A>G, p.Gln556= (NM_001145293.2); c.1596A>G, p.Gln532= (NM_001145294.2); c.1612-446A>G (NM_001145295.2).
Identifiers: ClinVar variation 381455 (VCV000381455.38), dbSNP rs74650888, ClinGen allele CA2289088.